The following is an entry in ClinVar:

NM_020134.4(DPYSL5):c.558A>C (p.Ala186=)

Gene: DPYSL5 (dihydropyrimidinase like 5; plus strand). Cytogenetic location: 2p23.3.
Variant type: single nucleotide variant.
Coding change: c.558A>C on transcript NM_020134.4 (MANE Select); coding-DNA position 558, A replaced by C.
Protein change: p.Ala186=; no amino-acid change (alanine 186 retained).
Molecular consequence: synonymous variant.
Genome position (GRCh38, 1-based): chr2:26,927,390, A>C. VCF-style: chr2-26927390-A-C. GRCh37 (hg19) VCF-style: chr2-27150258-A-C.
Other names: c.558A>C, p.Ala186= (NM_001253723.2, NM_001253724.2).
Identifiers: ClinVar variation 4873603 (VCV004873603.2).
Genomic context (GRCh38, chr2:26,927,390, plus strand): 5'-GTACATGCTTCGAGACAGTGAGCTGTACCAAGTGTTGCACGCTTGCAAGGACATTGGGGC[A>C]ATCGCCCGCGTCCATGCTGAAAATGGGGAGCTTGTGGCCGAGGCAAGTCTGCAGCCAAGA-3'
Protein context (NP_064519.2, residues 176-196): QVLHACKDIG[Ala186=]IARVHAENGE

ClinVar aggregate classification (germline): Likely benign (1 of 4 stars; one submission).

gnomAD v4.1: 7 of 1,614,224 alleles (0.00043%); highest among the groups gnomAD compares: Admixed American, 0.0033%; no homozygotes.

Submission:

CeGaT Center for Human Genetics Tuebingen
Classification: Likely benign. Last evaluated: 2026-05-01. Review status: criteria provided, single submitter. Criteria: CeGaT Center For Human Genetics Tuebingen Variant Classification Criteria Version 2. Collection method: clinical testing. Allele origin: germline. Affected: yes. Observed: 1 variant allele.
Comment: DPYSL5: BP4, BP7